The following is an entry in ClinVar:

NM_000081.4(LYST):c.517G>C (p.Asp173His)

Gene: LYST (lysosomal trafficking regulator; minus strand). Cytogenetic location: 1q42.3.
Variant type: single nucleotide variant.
Coding change: c.517G>C on transcript NM_000081.4 (MANE Select); coding-DNA position 517, G replaced by C.
Protein change: p.Asp173His; replaces aspartic acid 173 with histidine.
Molecular consequence: missense variant.
Genome position (GRCh38, 1-based): chr1:235,810,301, C>G on the plus strand (G>C on the coding strand, the complement: LYST is on the minus strand). VCF-style: chr1-235810301-C-G. GRCh37 (hg19) VCF-style: chr1-235973601-C-G.
Other names: c.517G>C, p.Asp173His (NM_001301365.1); short protein forms D173H.
Identifiers: ClinVar variation 2111260 (VCV002111260.4), dbSNP rs779915650, ClinGen allele CA1467615.

ClinVar aggregate classification (germline): Uncertain significance (1 of 4 stars; one submission).

Conditions:
Chédiak-Higashi syndrome (CHS). Also called: Chediak-Higashi Syndrome. Identifiers: Orphanet 167, MedGen C0007965, MONDO:0008963, OMIM 214500.

Allele frequency attached by ClinVar (database versions not stated): gnomAD exomes 0.00001; ExAC 0.00003.
gnomAD v4.1: 18 of 1,614,114 alleles (0.0011%); highest among the groups gnomAD compares: South Asian, 0.0011%; no homozygotes.

Submission:

Labcorp Genetics (formerly Invitae), Labcorp
Classification: Uncertain significance for Chédiak-Higashi syndrome. Last evaluated: 2025-11-04. Review status: criteria provided, single submitter. Criteria: Invitae Variant Classification Sherloc (09022015). Collection method: clinical testing. Allele origin: germline.
Comment: This sequence change replaces aspartic acid, which is acidic and polar, with histidine, which is basic and polar, at codon 173 of the LYST protein (p.Asp173His). This variant is present in population databases (rs779915650, gnomAD 0.009%). This variant has not been reported in the literature in individuals affected with LYST-related conditions. ClinVar contains an entry for this variant (Variation ID: 2111260). Invitae Evidence Modeling of protein sequence and biophysical properties (such as structural, functional, and spatial information, amino acid conservation, physicochemical variation, residue mobility, and thermodynamic stability) indicates that this missense variant is not expected to disrupt LYST protein function with a negative predictive value of 80%. In summary, the available evidence is currently insufficient to determine the role of this variant in disease. Therefore, it has been classified as a Variant of Uncertain Significance.